The following is an entry in ClinVar:

ClinVar aggregate classification (germline): Benign/Likely benign. Review status: criteria provided, multiple submitters, no conflicts (2 of 4 stars). 6 submissions from 5 submitters: Benign (4); Likely benign (2). Last evaluated 2026-02-04.

Conditions:
Leber congenital amaurosis 3 (LCA3). Also called: SPATA7-Related Retinitis Pigmentosa. Identifiers: MedGen C1858677, MONDO:0011415, OMIM 604232.
Retinitis pigmentosa (RP). Identifiers: Orphanet 791, MedGen C0035334, MeSH D012174, MONDO:0019200, OMIM 268000. Inheritance: Autosomal dominant, autosomal recessive and X linked inheritance.

Allele frequency attached by ClinVar (database versions not stated): gnomAD exomes 0.00938; ExAC 0.01133; gnomAD 0.03572 and 0.03851; 1000 Genomes Project 0.03874; TOPMed 0.04055; 1000 Genomes Project 30x 0.04154; ESP Exome Variant Server 0.04375.
gnomAD v4.1: 10,472 of 1,612,700 alleles (0.65%); highest among the groups gnomAD compares: African/African-American, 12%; 584 homozygotes.

Submissions (6):

Labcorp Genetics (formerly Invitae), Labcorp
Classification: Benign for Leber congenital amaurosis 3. Last evaluated: 2026-02-04. Review status: criteria provided, single submitter. Criteria: Invitae Variant Classification Sherloc (09022015). Collection method: clinical testing. Allele origin: germline.

Women's Health and Genetics/Laboratory Corporation of America, LabCorp
Classification: Likely benign. Last evaluated: 2021-12-10. Review status: criteria provided, single submitter. Criteria: LabCorp Variant Classification Summary - May 2015. Collection method: clinical testing. Allele origin: germline.

GeneDx
Classification: Benign. Last evaluated: 2019-05-24. Review status: criteria provided, single submitter. Criteria: GeneDx Variant Classification Process June 2021. Collection method: clinical testing. Allele origin: germline. Affected: yes.
Comment: This variant is associated with the following publications: (PMID: 30924900)

Illumina Laboratory Services, Illumina
Classification: Benign for Leber congenital amaurosis 3. Last evaluated: 2018-01-13. Review status: criteria provided, single submitter. Criteria: ICSL Variant Classification Criteria 13 December 2019. Collection method: clinical testing. Allele origin: germline.
Comment: This variant was observed in the ICSL laboratory as part of a predisposition screen in an ostensibly healthy population. It had not been previously curated by ICSL or reported in the Human Gene Mutation Database (HGMD: prior to June 1st, 2018), and was therefore a candidate for classification through an automated scoring system. Utilizing variant allele frequency, disease prevalence and penetrance estimates, and inheritance mode, an automated score was calculated to assess if this variant is too frequent to cause the disease. Based on the score and internal cut-off values, a variant classified as benign is not then subjected to further curation. The score for this variant resulted in a classification of benign for this disease.

Illumina Laboratory Services, Illumina
Classification: Benign for Retinitis pigmentosa. Last evaluated: 2018-01-13. Review status: criteria provided, single submitter. Criteria: ICSL Variant Classification Criteria 13 December 2019. Collection method: clinical testing. Allele origin: germline.
Comment: the same text as in the submission from Illumina Laboratory Services, Illumina above.

Breakthrough Genomics
Classification: Likely benign. Review status: criteria provided, single submitter. Criteria: ACMG Guidelines, 2015. Collection method: not provided. Allele origin: germline. Inheritance: Autosomal recessive inheritance. Affected: yes.

NM_018418.5(SPATA7):c.971G>A (p.Gly324Glu)

Gene: SPATA7 (spermatogenesis associated 7; plus strand). Cytogenetic location: 14q31.3.
Variant type: single nucleotide variant.
Coding change: c.971G>A on transcript NM_018418.5 (MANE Select); coding-DNA position 971, G replaced by A.
Protein change: p.Gly324Glu; replaces glycine 324 with glutamic acid.
Molecular consequence: missense variant.
Genome position (GRCh38, 1-based): chr14:88,429,406, G>A. VCF-style: chr14-88429406-G-A. GRCh37 (hg19) VCF-style: chr14-88895750-G-A.
Other names: c.875G>A, p.Gly292Glu (NM_001040428.4); short protein forms G324E, G292E.
Identifiers: ClinVar variation 314785 (VCV000314785.17), dbSNP rs17124677, ClinGen allele CA7298660.
Genomic context (GRCh38, chr14:88,429,406, plus strand): 5'-AGGCATCTAATTGTGTGACATATGATGCCAAAGAAAAAATAGCTCCTTTACCTTTAGAAG[G>A]GCATGACTCAACATGGGATGAGATTAAGGATGATGCTCTTCAGCATTCCTCACCAAGGTA-3'
Protein context (NP_060888.2, residues 314-334): KEKIAPLPLE[Gly324Glu]HDSTWDEIKD